The following is an entry in ClinVar:

ClinVar aggregate classification (germline): Uncertain significance. Review status: criteria provided, multiple submitters, no conflicts (2 of 4 stars). 2 submissions from 2 submitters: Uncertain significance (2). Last evaluated 2025-10-28.

Conditions:
Inborn genetic diseases. Identifiers: MedGen C0950123, MeSH D030342.
Familial focal epilepsy with variable foci (FPEVF). Identifiers: Orphanet 98820, MedGen C1858477, MONDO:0020310.

Allele frequency attached by ClinVar (database versions not stated): TOPMed 0.00001; gnomAD exomes 0.00002.
gnomAD v4.1: 20 of 1,532,848 alleles (0.0013%); highest among the groups gnomAD compares: Non-Finnish European, 0.0018%; no homozygotes.

Submissions (2):

Ambry Genetics
Classification: Uncertain significance for Inborn genetic diseases. Last evaluated: 2025-10-28. Review status: criteria provided, single submitter. Criteria: Ambry Variant Classification Scheme 2023. Collection method: clinical testing. Allele origin: germline.

Labcorp Genetics (formerly Invitae), Labcorp
Classification: Uncertain significance for Familial focal epilepsy with variable foci. Last evaluated: 2021-09-01. Review status: criteria provided, single submitter. Criteria: Invitae Variant Classification Sherloc (09022015). Collection method: clinical testing. Allele origin: germline.
Comment: This sequence change replaces aspartic acid with histidine at codon 1114 of the DEPDC5 protein (p.Asp1114His). The aspartic acid residue is highly conserved and there is a moderate physicochemical difference between aspartic acid and histidine. This variant is not present in population databases (ExAC no frequency). This variant has not been reported in the literature in individuals affected with DEPDC5-related conditions. Algorithms developed to predict the effect of missense changes on protein structure and function are either unavailable or do not agree on the potential impact of this missense change (SIFT: "Deleterious"; PolyPhen-2: "Not Available"; Align-GVGD: "Class C0"). In summary, the available evidence is currently insufficient to determine the role of this variant in disease. Therefore, it has been classified as a Variant of Uncertain Significance.

NM_001242896.3(DEPDC5):c.3340G>C (p.Asp1114His)

Gene: DEPDC5 (DEP domain containing 5, GATOR1 subcomplex subunit; plus strand). Cytogenetic location: 22q12.3.
Variant type: single nucleotide variant.
Coding change: c.3340G>C on transcript NM_001242896.3 (MANE Select); coding-DNA position 3340, G replaced by C.
Protein change: p.Asp1114His; replaces aspartic acid 1114 with histidine.
Molecular consequence: missense variant. On other transcripts: non-coding transcript variant (5).
Genome position (GRCh38, 1-based): chr22:31,870,599, G>C. VCF-style: chr22-31870599-G-C. GRCh37 (hg19) VCF-style: chr22-32266585-G-C.
Other names: c.3313G>C, p.Asp1105His (NM_001136029.4); c.3040G>C, p.Asp1014His (NM_001242897.2); c.3274G>C, p.Asp1092His (NM_001363852.2, NM_001364320.2); c.3106G>C, p.Asp1036His (NM_001363854.2, NM_001364319.2); c.3340G>C, p.Asp1114His (NM_001364318.2); c.3256G>C, p.Asp1086His (NM_001369901.1, NM_001369902.1); c.3247G>C, p.Asp1083His (NM_001369903.1, NM_014662.6); short protein forms D1092H, D1105H, D1014H, D1114H, D1036H, D1083H, D1086H.
Identifiers: ClinVar variation 962156 (VCV000962156.8), dbSNP rs1029839829, ClinGen allele CA323361282.
Genomic context (GRCh38, chr22:31,870,599, plus strand): 5'-TTCCTGTCAGTTATTTTTGGAATCAAGTATTCATTTTTAAATCTCCTGCAGGTATCTGTG[G>C]ACCAAACAGCCACTCCTATGTTGGACGGCACCAGTTTGGGCATATGCACAGGCCAATCCA-3'
Protein context (NP_001229825.1, residues 1104-1124): SSAFYPQVSV[Asp1114His]QTATPMLDGT